The following is an entry in ClinVar:

NM_024675.4(PALB2):c.1039G>T (p.Glu347Ter)

Gene: PALB2 (partner and localizer of BRCA2; minus strand). Cytogenetic location: 16p12.2.
Variant type: single nucleotide variant.
Coding change: c.1039G>T on transcript NM_024675.4 (MANE Select); coding-DNA position 1039, G replaced by T.
Protein change: p.Glu347Ter; replaces glutamic acid 347 with a stop codon.
Molecular consequence: nonsense.
Genome position (GRCh38, 1-based): chr16:23,635,507, C>A on the plus strand (G>T on the coding strand, the complement: PALB2 is on the minus strand). VCF-style: chr16-23635507-C-A. GRCh37 (hg19) VCF-style: chr16-23646828-C-A.
Other names: short protein forms E347*.
Identifiers: ClinVar variation 402286 (VCV000402286.17), dbSNP rs1060499812, ClinGen allele CA16609602.

ClinVar aggregate classification (germline): Pathogenic. Review status: criteria provided, multiple submitters, no conflicts (2 of 4 stars). 8 submissions from 7 submitters: Pathogenic (8). Last evaluated 2025-12-30.

Conditions:
Inherited breast cancer and ovarian cancer.
PALB2-related disorder. Also called: PALB2-related disorders; PALB2-related condition.
Breast-ovarian cancer, familial, susceptibility to, 5 (BROVCA5). Identifiers: MedGen C5830615, MONDO:0957530, OMIM 620442.
Hereditary cancer-predisposing syndrome. Also called: Neoplastic Syndromes, Hereditary; Tumor predisposition; Hereditary Cancer Syndrome; Hereditary neoplastic syndrome. Identifiers: Orphanet 140162, MedGen C0027672, MeSH D009386, MONDO:0015356.
Familial cancer of breast. Also called: hereditary breast carcinoma; BREAST CANCER, FAMILIAL; Hereditary breast cancer. Identifiers: Orphanet 227535, MedGen C0346153, MONDO:0016419, OMIM 114480. Disease mechanism: loss of function.

Submissions (8):

Genetics Laboratory, Great Ormond Street Hospital NHS Foundation Trust, North Thames Genomic Laboratory Hub
Classification: Pathogenic for Inherited breast cancer and ovarian cancer. Last evaluated: 2025-12-30. Review status: criteria provided, single submitter. Criteria: CanVIG PALB2 Gene Specific V1.2. Collection method: clinical testing. Allele origin: germline. Affected: yes.
Comment: PM2_supporting, PVS1_very-strong, PM5_supporting

Color Diagnostics, LLC DBA Color Health
Classification: Pathogenic for Hereditary cancer-predisposing syndrome. Last evaluated: 2024-12-10. Review status: criteria provided, single submitter. Criteria: ACMG Guidelines, 2015. Collection method: clinical testing. Allele origin: germline.
Comment: This variant changes 1 nucleotide in exon 4 of the PALB2 gene, creating a premature translation stop signal. This variant is expected to result in an absent or non-functional protein product. This variant has not been reported in individuals affected with hereditary cancer in the literature. This variant has not been identified in the general population by the Genome Aggregation Database (gnomAD). Loss of PALB2 function is a known mechanism of disease. Based on the available evidence, this variant is classified as Pathogenic.

Blueprint Genetics
Classification: Pathogenic for PALB2-related disorders. Last evaluated: 2024-08-22. Review status: criteria provided, single submitter. Criteria: ACMG Guidelines, 2015. Collection method: clinical testing. Allele origin: germline. Affected: yes. Observed: 1 variant allele.

Ambry Genetics
Classification: Pathogenic for Hereditary cancer-predisposing syndrome. Last evaluated: 2023-12-20. Review status: criteria provided, single submitter. Criteria: Ambry Variant Classification Scheme 2023. Collection method: clinical testing. Allele origin: germline.
Comment: The p.E347* pathogenic mutation (also known as c.1039G>T), located in coding exon 4 of the PALB2 gene, results from a G to T substitution at nucleotide position 1039. This changes the amino acid from a glutamic acid to a stop codon within coding exon 4. This variant is considered to be rare based on population cohorts in the Genome Aggregation Database (gnomAD). This alteration is expected to result in loss of function by premature protein truncation or nonsense-mediated mRNA decay. As such, this alteration is interpreted as a disease-causing mutation.

Baylor Genetics
Classification: Pathogenic for Familial cancer of breast. Last evaluated: 2023-09-07. Review status: criteria provided, single submitter. Criteria: ACMG Guidelines, 2015. Collection method: clinical testing. Allele origin: unknown.

Myriad Genetics, Inc.
Classification: Pathogenic for Familial cancer of breast. Last evaluated: 2023-09-07. Review status: criteria provided, single submitter. Criteria: Myriad Autosomal Dominant, Autosomal Recessive and X-Linked Classification Criteria (2023). Collection method: clinical testing. Allele origin: unknown.
Comment: This variant is considered pathogenic. This variant creates a termination codon and is predicted to result in premature protein truncation.

KCCC/NGS Laboratory, Kuwait Cancer Control Center
Classification: Pathogenic for Breast-ovarian cancer, familial, susceptibility to, 5. Last evaluated: 2023-07-07. Review status: criteria provided, single submitter. Criteria: ACMG Guidelines, 2015. Collection method: clinical testing. Allele origin: unknown. Affected: yes.
Comment: This variant changes 1 nucleotide in exon 4 of the PALB2 gene, creating a premature translation stop signal. This variant is expected to result in an absent or nonfunctional protein product. Splice site prediction tools suggest that this variant may not impact RNA splicing. To our knowledge, functional studies have not been performed for this variant. This variant has not been reported in individuals affected with hereditary cancer in the literature. This variant has not been identified in the general population by the Genome Aggregation Database (gnomAD). Loss of PALB2 function is a known mechanism of disease. Based on the available evidence, this variant is classified as Pathogenic.

KCCC/NGS Laboratory, Kuwait Cancer Control Center
Classification: Pathogenic for Familial cancer of breast. Last evaluated: 2023-07-05. Review status: criteria provided, single submitter. Criteria: ACMG Guidelines, 2015. Collection method: clinical testing. Allele origin: unknown. Inheritance: Autosomal dominant inheritance. Affected: yes. Observed: 1 heterozygote.
Comment: the same text as in the submission from KCCC/NGS Laboratory, Kuwait Cancer Control Center above.